The following is an entry in ClinVar:

NM_001378615.1(CC2D2A):c.630A>G (p.Pro210=)

Genes: CC2D2A (coiled-coil and C2 domain containing 2A; plus strand), FBXL5 (F-box and leucine rich repeat protein 5; minus strand). Cytogenetic location: 4p15.32.
Variant type: single nucleotide variant.
Coding change: c.630A>G on transcript NM_001378615.1 (MANE Select); coding-DNA position 630, A replaced by G.
Protein change: p.Pro210=; no amino-acid change (proline 210 retained).
Molecular consequence: synonymous variant.
Genome position (GRCh38, 1-based): chr4:15,511,336, A>G. VCF-style: chr4-15511336-A-G. GRCh37 (hg19) VCF-style: chr4-15512959-A-G.
Other names: c.630A>G, p.Pro210= (NM_001080522.2); c.483A>G, p.Pro161= (NM_001378617.1).
Identifiers: ClinVar variation 2941727 (VCV002941727.4), dbSNP rs2474912179, ClinGen allele CA438381001.

ClinVar aggregate classification (germline): Likely benign. Review status: criteria provided, multiple submitters, no conflicts (2 of 4 stars). 2 submissions from 2 submitters: Likely benign (2). Last evaluated 2025-07-15.

Conditions:
Joubert syndrome. Also called: JOUBERT-BOLTSHAUSER SYNDROME; Familial aplasia of the vermis. Identifiers: Orphanet 475, MedGen C5979921, MONDO:0018772.
Meckel-Gruber syndrome. Also called: DYSENCEPHALIA SPLANCHNOCYSTICA; GRUBER SYNDROME; Dysencephalia splachnocystica. Identifiers: Orphanet 564, MedGen C0265215, MONDO:0018921.
CC2D2A-related disorder. Also called: CC2D2A-related condition; CC2D2A-related disorders. Identifiers: MedGen CN239313.

Allele frequency attached by ClinVar (database versions not stated): gnomAD exomes below 0.00001.
gnomAD v4.1: 1 of 1,599,008 alleles (0.000063%); highest among the groups gnomAD compares: Non-Finnish European, 0.000085%; no homozygotes.

Submissions (2):

PreventionGenetics, part of Exact Sciences
Classification: Likely benign for CC2D2A-related condition. Last evaluated: 2025-07-15. Review status: criteria provided, single submitter. Criteria: ACMG Guidelines, 2015. Collection method: clinical testing. Allele origin: germline.
Comment: This variant is classified as likely benign based on ACMG/AMP sequence variant interpretation guidelines (Richards et al. 2015 PMID: 25741868, with internal and published modifications).

Labcorp Genetics (formerly Invitae), Labcorp
Classification: Likely benign for Joubert syndrome; Meckel-Gruber syndrome. Last evaluated: 2023-08-23. Review status: criteria provided, single submitter. Criteria: Invitae Variant Classification Sherloc (09022015). Collection method: clinical testing. Allele origin: germline.